The following is an entry in ClinVar:

ClinVar aggregate classification (germline): Likely benign. Review status: criteria provided, multiple submitters, no conflicts (2 of 4 stars). 3 submissions from 3 submitters: Likely benign (3). Last evaluated 2026-03-24.

Allele frequency attached by ClinVar (database versions not stated): gnomAD 0.00004 and 0.00005; 1000 Genomes Project 30x 0.00016; 1000 Genomes Project 0.00020.
gnomAD v4.1: 59 of 1,609,028 alleles (0.0037%); highest among the groups gnomAD compares: African/African-American, 0.0067%; no homozygotes.

Submissions (3):

Women's Health and Genetics/Laboratory Corporation of America, LabCorp
Classification: Likely benign. Last evaluated: 2026-03-24. Review status: criteria provided, single submitter. Criteria: LabCorp Variant Classification Summary - May 2015. Collection method: clinical testing. Allele origin: germline.
Comment: Variant summary: SEPTIN9 c.1644C>T alters a conserved nucleotide resulting in a synonymous change. Consensus agreement among computation tools predict no significant impact on normal splicing. However, these predictions have yet to be confirmed by functional studies. The variant allele was found at a frequency of 1.8e-05 in 272990 control chromosomes. The available data on variant occurrences in the general population are insufficient to allow any conclusion about variant significance. To our knowledge, no occurrence of c.1644C>T in individuals affected with SEPTIN9-related conditions and no experimental evidence demonstrating its impact on protein function have been reported. ClinVar contains an entry for this variant (Variation ID: 1682680). Based on the evidence outlined above, the variant was classified as likely benign.

Labcorp Genetics (formerly Invitae), Labcorp
Classification: Likely benign. Last evaluated: 2025-12-14. Review status: criteria provided, single submitter. Criteria: Invitae Variant Classification Sherloc (09022015). Collection method: clinical testing. Allele origin: germline.

Mayo Clinic Laboratories, Mayo Clinic
Classification: Likely benign. Last evaluated: 2025-10-22. Review status: criteria provided, single submitter. Criteria: ACMG Guidelines, 2015. Collection method: clinical testing. Allele origin: germline. Observed: 1 variant allele.
Comment: BP4, BP7

NM_001113491.2(SEPTIN9):c.1698C>T (p.Asn566=)

Gene: SEPTIN9 (septin 9; plus strand). Cytogenetic location: 17q25.3.
Variant type: single nucleotide variant.
Coding change: c.1698C>T on transcript NM_001113491.2 (MANE Select); coding-DNA position 1698, C replaced by T.
Protein change: p.Asn566=; no amino-acid change (asparagine 566 retained).
Molecular consequence: synonymous variant.
Genome position (GRCh38, 1-based): chr17:77,498,595, C>T. VCF-style: chr17-77498595-C-T. GRCh37 (hg19) VCF-style: chr17-75494677-C-T.
Other names: p.Asn548=; c.945C>T, p.Asn315= (NM_001113495.2, NM_001113496.2, NM_001293697.2 and 1 more transcripts); c.1641C>T, p.Asn547= (NM_001293695.2); c.1026C>T, p.Asn342= (NM_001293696.2); c.1644C>T, p.Asn548= (NM_006640.5); c.1206C>T, p.Asn402= (NM_001113492.2, NM_001113494.1); c.1677C>T, p.Asn559= (NM_001113493.2); c.1644C>T (NM_006640.4).
Identifiers: ClinVar variation 1682680 (VCV001682680.9), dbSNP rs546339887, ClinGen allele CA8793912.
Genomic context (GRCh38, chr17:77,498,595, plus strand): 5'-GAACATCAAGGACATCACCAGCAGCATCCACTTCGAGGCGTACCGTGTGAAGCGCCTCAA[C>T]GAGGGCAGCAGCGCCATGGCCAACGGCATGGAGGAGAAGGAGCCAGAAGCCCCGGAGATG-3'
Protein context (NP_001106963.1, residues 556-576): HFEAYRVKRL[Asn566=]EGSSAMANGM